The following is an entry in ClinVar:

ClinVar aggregate classification (germline): Uncertain significance. Review status: criteria provided, multiple submitters, no conflicts (2 of 4 stars). 6 submissions from 6 submitters: Uncertain significance (6). Last evaluated 2025-06-23.

Conditions:
Central core myopathy (CMYO1A). Also called: Central core disease; Myopathy, central fibrillar; CONGENITAL MYOPATHY 1A, AUTOSOMAL DOMINANT, WITH SUSCEPTIBILITY TO MALIGNANT HYPERTHERMIA. Identifiers: Orphanet 597, MedGen C5830701, MONDO:0007294, OMIM 117000.
King Denborough syndrome (KDS). Identifiers: MedGen C1840365, MONDO:0020485, OMIM 619542.
Malignant hyperthermia, susceptibility to, 1 (MHS1). Also called: RYR1-Related Malignant Hyperthermia Susceptibility; Anesthesia related hyperthermia; Malignant hyperpyrexia; Fulminating hyperpyrexia; Pharmacogenic myopathy; Malignant hyperthermia suceptibility 1. Identifiers: Orphanet 423, MedGen C2930980, MONDO:0007783, OMIM 145600.
Congenital multicore myopathy with external ophthalmoplegia (CMYO1B). Also called: Minicore myopathy with external ophthalmoplegia; MULTIMINICORE DISEASE WITH EXTERNAL OPHTHALMOPLEGIA; Congenital myopathy 1B, autosomal recessive; Minicore myopathy; MULTICORE MYOPATHY. Identifiers: Orphanet 598, Orphanet 98905, MedGen C1850674, MONDO:0009712, OMIM 255320, HP:0003789.
Congenital myopathy with fiber type disproportion. Also called: Congenital fiber-type disproportion myopathy; Congenital fiber-type disproportion. Identifiers: Orphanet 2020, MedGen C0546264, MONDO:0009711. Inheritance: all.
Inborn genetic diseases. Identifiers: MedGen C0950123, MeSH D030342.
RYR1-related disorder. Also called: RYR1-related disorders; RYR1-related condition. Identifiers: MedGen CN239331.

Allele frequency attached by ClinVar (database versions not stated): gnomAD exomes below 0.00001 and 0.00001; ExAC 0.00001; gnomAD 0.00003; TOPMed 0.00003.
gnomAD v4.1: 11 of 1,614,022 alleles (0.00068%); highest among the groups gnomAD compares: African/African-American, 0.015%; no homozygotes.

Submissions (6):

Color Diagnostics, LLC DBA Color Health
Classification: Uncertain significance for Malignant hyperthermia, susceptibility to, 1. Last evaluated: 2025-06-23. Review status: criteria provided, single submitter. Criteria: ACMG Guidelines, 2015. Collection method: clinical testing. Allele origin: germline.
Comment: This missense variant replaces glutamic acid with valine at codon 827 of the RYR1 protein. Computational prediction suggests that this variant may have deleterious impact on protein structure and function. To our knowledge, functional studies have not been reported for this variant. This variant has not been reported in individuals affected with RYR1-related disorders in the literature. This variant has been identified in 3/282804 chromosomes in the general population by the Genome Aggregation Database (gnomAD). The available evidence is insufficient to determine the role of this variant in disease conclusively. Therefore, this variant is classified as a Variant of Uncertain Significance.

Ambry Genetics
Classification: Uncertain significance for Inborn genetic diseases. Last evaluated: 2025-06-06. Review status: criteria provided, single submitter. Criteria: Ambry Variant Classification Scheme 2023. Collection method: clinical testing. Allele origin: germline.

GeneDx
Classification: Uncertain significance. Last evaluated: 2024-12-15. Review status: criteria provided, single submitter. Criteria: GeneDx Variant Classification Process June 2021. Collection method: clinical testing. Allele origin: germline. Affected: yes.
Comment: Not observed at significant frequency in large population cohorts (gnomAD); In silico analysis supports that this missense variant has a deleterious effect on protein structure/function; Has not been previously published as pathogenic or benign to our knowledge

Labcorp Genetics (formerly Invitae), Labcorp
Classification: Uncertain significance for RYR1-related disorder. Last evaluated: 2024-10-15. Review status: criteria provided, single submitter. Criteria: Invitae Variant Classification Sherloc (09022015). Collection method: clinical testing. Allele origin: germline.
Comment: This sequence change replaces glutamic acid, which is acidic and polar, with valine, which is neutral and non-polar, at codon 827 of the RYR1 protein (p.Glu827Val). This variant is present in population databases (rs758782788, gnomAD 0.01%). This variant has not been reported in the literature in individuals affected with RYR1-related conditions. ClinVar contains an entry for this variant (Variation ID: 657359). Invitae Evidence Modeling of protein sequence and biophysical properties (such as structural, functional, and spatial information, amino acid conservation, physicochemical variation, residue mobility, and thermodynamic stability) has been performed for this missense variant. However, the output from this modeling did not meet the statistical confidence thresholds required to predict the impact of this variant on RYR1 protein function. In summary, the available evidence is currently insufficient to determine the role of this variant in disease. Therefore, it has been classified as a Variant of Uncertain Significance.

All of Us Research Program, National Institutes of Health
Classification: Uncertain significance for Malignant hyperthermia, susceptibility to, 1. Last evaluated: 2023-12-07. Review status: criteria provided, single submitter. Criteria: ACMG Guidelines, 2015. Collection method: clinical testing. Allele origin: germline. Inheritance: Autosomal dominant inheritance. Observed: 2 variant alleles, 2 heterozygotes.
Comment: This study involves interpretation of variants in research participants for the purpose of population health screening. Participant phenotype was not available at the time of variant classification. Additional details can be found in publication PMID: 35346344, PMCID: PMC8962531

Fulgent Genetics
Classification: Uncertain significance for Central core myopathy; Malignant hyperthermia, susceptibility to, 1; Congenital myopathy 4A, autosomal dominant; Congenital multicore myopathy with external ophthalmoplegia; King Denborough syndrome. Last evaluated: 2021-08-16. Review status: criteria provided, single submitter. Criteria: ACMG Guidelines, 2015. Collection method: clinical testing. Allele origin: unknown.

NM_000540.3(RYR1):c.2480A>T (p.Glu827Val)

Gene: RYR1 (ryanodine receptor 1; plus strand). Cytogenetic location: 19q13.2.
Variant type: single nucleotide variant.
Coding change: c.2480A>T on transcript NM_000540.3 (MANE Select); coding-DNA position 2480, A replaced by T.
Protein change: p.Glu827Val; replaces glutamic acid 827 with valine.
Molecular consequence: missense variant.
Genome position (GRCh38, 1-based): chr19:38,460,494, A>T. VCF-style: chr19-38460494-A-T. GRCh37 (hg19) VCF-style: chr19-38951134-A-T.
Other names: c.2480A>T, p.Glu827Val (NM_001042723.2); short protein forms E827V.
Identifiers: ClinVar variation 657359 (VCV000657359.12), dbSNP rs758782788, ClinGen allele CA063305.
Genomic context (GRCh38, chr19:38,460,494, plus strand): 5'-ATGCTCCATGCCATGAGGCTGTGCTCCCTCGAGAGCGACTCCATCTTGAACCCATCAAGG[A>T]GTATCGACGGGAGGGGCCCCGGGGGCCTCACCTGGTGGGCCCCAGTCGCTGCCTCTCACA-3'
Protein context (NP_000531.2, residues 817-837): RERLHLEPIK[Glu827Val]YRREGPRGPH